The following is an entry in ClinVar:

NM_002460.4(IRF4):c.738G>A (p.Ala246=)

Gene: IRF4 (interferon regulatory factor 4; plus strand). Cytogenetic location: 6p25.3.
Variant type: single nucleotide variant.
Coding change: c.738G>A on transcript NM_002460.4 (MANE Select); coding-DNA position 738, G replaced by A.
Protein change: p.Ala246=; no amino-acid change (alanine 246 retained).
Molecular consequence: synonymous variant. On other transcripts: non-coding transcript variant (1).
Genome position (GRCh38, 1-based): chr6:398,928, G>A. VCF-style: chr6-398928-G-A. GRCh37 (hg19) VCF-style: chr6-398928-G-A.
Other names: c.735G>A, p.Ala245= (NM_001195286.2).
Identifiers: ClinVar variation 1586837 (VCV001586837.12), dbSNP rs144395675, ClinGen allele CA3612792.

ClinVar aggregate classification (germline): Likely benign. Review status: criteria provided, multiple submitters, no conflicts (2 of 4 stars). 2 submissions from 2 submitters: Likely benign (2). Last evaluated 2026-01-01.

Allele frequency attached by ClinVar (database versions not stated): TOPMed 0.00003; gnomAD 0.00004 and 0.00005; ESP Exome Variant Server 0.00008; 1000 Genomes Project 0.00040; 1000 Genomes Project 30x 0.00047.
gnomAD v4.1: 82 of 1,609,490 alleles (0.0051%); highest among the groups gnomAD compares: East Asian, 0.045%; no homozygotes.

Submissions (2):

CeGaT Center for Human Genetics Tuebingen
Classification: Likely benign. Last evaluated: 2026-01-01. Review status: criteria provided, single submitter. Criteria: CeGaT Center For Human Genetics Tuebingen Variant Classification Criteria Version 2. Collection method: clinical testing. Allele origin: germline. Affected: yes. Observed: 1 variant allele.
Comment: IRF4: BP4, BP7

Labcorp Genetics (formerly Invitae), Labcorp
Classification: Likely benign. Last evaluated: 2025-07-21. Review status: criteria provided, single submitter. Criteria: Invitae Variant Classification Sherloc (09022015). Collection method: clinical testing. Allele origin: germline.